The following is an entry in ClinVar:

NM_001348716.2(KDM6B):c.4585G>A (p.Asp1529Asn)

Genes: KDM6B (lysine demethylase 6B; plus strand), LOC121587574 (Sharpr-MPRA regulatory region 3930; plus strand). Cytogenetic location: 17p13.1.
Variant type: single nucleotide variant.
Coding change: c.4585G>A on transcript NM_001348716.2 (MANE Select); coding-DNA position 4585, G replaced by A.
Protein change: p.Asp1529Asn; replaces aspartic acid 1529 with asparagine.
Molecular consequence: missense variant.
Genome position (GRCh38, 1-based): chr17:7,852,611, G>A. VCF-style: chr17-7852611-G-A. GRCh37 (hg19) VCF-style: chr17-7755929-G-A.
Other names: c.4585G>A, p.Asp1529Asn (NM_001080424.2); short protein forms D1529N.
Identifiers: ClinVar variation 5008568 (VCV005008568.1).

ClinVar aggregate classification (germline): Uncertain significance (1 of 4 stars; one submission).

gnomAD v4.1: 2 of 1,614,056 alleles (0.00012%); highest among the groups gnomAD compares: Non-Finnish European, 0.00017%; no homozygotes.

Submission:

GeneDx
Classification: Uncertain significance. Last evaluated: 2026-03-04. Review status: criteria provided, single submitter. Criteria: GeneDx Variant Classification Process June 2021. Collection method: clinical testing. Allele origin: germline.
Comment: Not observed at significant frequency in large population cohorts (gnomAD); In silico analysis supports that this missense variant has a deleterious effect on protein structure/function; Has not been previously published as pathogenic or benign to our knowledge